The following is an entry in ClinVar:

ClinVar aggregate classification (germline): Uncertain significance (1 of 4 stars; one submission).

Conditions:
Aortic aneurysm, familial thoracic 10 (AAT10). Identifiers: MedGen C4284414, MONDO:0014950, OMIM 617168.

Submission:

Centre of Medical Genetics, University of Antwerp
Classification: Uncertain significance for Aortic aneurysm, familial thoracic 10. Last evaluated: 2021-02-19. Review status: criteria provided, single submitter. Criteria: ACMG Guidelines, 2015. Collection method: research. Allele origin: unknown. Affected: yes.
Comment: PM1, PM2, PP3

Literature cited by the submitters: PubMed 34281165.

NM_002317.7(LOX):c.917T>C (p.Leu306Pro)

Genes: LOX (lysyl oxidase; minus strand), SRFBP1 (serum response factor binding protein 1; plus strand). Cytogenetic location: 5q23.1.
Variant type: single nucleotide variant.
Coding change: c.917T>C on transcript NM_002317.7 (MANE Select); coding-DNA position 917, T replaced by C.
Protein change: p.Leu306Pro; replaces leucine 306 with proline.
Molecular consequence: missense variant.
Genome position (GRCh38, 1-based): chr5:122,074,131, A>G on the plus strand (T>C on the coding strand, the complement: LOX is on the minus strand). VCF-style: chr5-122074131-A-G. GRCh37 (hg19) VCF-style: chr5-121409826-A-G.
Other names: c.227T>C, p.Leu76Pro (NM_001178102.2); c.26T>C, p.Leu9Pro (NM_001317073.1); short protein forms L306P, L76P, L9P.
Identifiers: ClinVar variation 1098843 (VCV001098843.2), dbSNP rs2152589570, ClinGen allele CA360881761.
Genomic context (GRCh38, chr5:122,074,131, plus strand): 5'-TCAAGACAGAAACTTGCTTTGTGGCCTTCAGCCACTCTCCTCTGGGTGTTGGCATCAAGC[A>G]GGTCATAGTGGCTAAACTCATCCATACTGTGGTAATGTCTGATGTCCCACAAAACAAAAA-3'
Protein context (NP_002308.2, residues 296-316): HSMDEFSHYD[Leu306Pro]LDANTQRRVA